The following is an entry in ClinVar:

NM_012096.3(APPL1):c.2111A>G (p.Lys704Arg)

Genes: APPL1 (adaptor protein, phosphotyrosine interacting with PH domain and leucine zipper 1; plus strand), ASB14 (ankyrin repeat and SOCS box containing 14; minus strand), LOC105377102 (uncharacterized LOC105377102; plus strand). Cytogenetic location: 3p14.3.
Variant type: single nucleotide variant.
Coding change: c.2111A>G on transcript NM_012096.3 (MANE Select); coding-DNA position 2111, A replaced by G.
Protein change: p.Lys704Arg; replaces lysine 704 with arginine.
Molecular consequence: missense variant. On other transcripts: non-coding transcript variant (1), intron variant (2).
Genome position (GRCh38, 1-based): chr3:57,269,668, A>G. VCF-style: chr3-57269668-A-G. GRCh37 (hg19) VCF-style: chr3-57303696-A-G.
Other names: c.*23-50T>C (NM_001142733.3, NM_130387.5); c.2111A>G (NM_012096.2); short protein forms K704R.
Identifiers: ClinVar variation 1923374 (VCV001923374.6), dbSNP rs142166154, ClinGen allele CA2464032.
Genomic context (GRCh38, chr3:57,269,668, plus strand): 5'-AGTTTGTTGTCCTTAGCAGTAGCCAGTCAGAAGAGAGTGATTTGGGAGAAGGAGGAAAGA[A>G]GAGAGAATCAGAAGCATAAGCTTATACTTTTGGTAGATATTCCCCCTTGGAATTTGACAG-3'
Protein context (NP_036228.1, residues 694-709): EESDLGEGGK[Lys704Arg]RESEA

ClinVar aggregate classification (germline): Conflicting classifications of pathogenicity. Review status: criteria provided, conflicting classifications (1 of 4 stars). 2 submissions from 2 submitters: Uncertain significance (1); Likely benign (1). Last evaluated 2025-05-08.

Allele frequency attached by ClinVar (database versions not stated): gnomAD exomes 0.00002; gnomAD 0.00003; ExAC 0.00004; TOPMed 0.00005; ESP Exome Variant Server 0.00008.
gnomAD v4.1: 32 of 1,613,984 alleles (0.002%); highest among the groups gnomAD compares: Admixed American, 0.01%; no homozygotes.

Submissions (2):

Labcorp Genetics (formerly Invitae), Labcorp
Classification: Uncertain significance. Last evaluated: 2025-05-08. Review status: criteria provided, single submitter. Criteria: Invitae Variant Classification Sherloc (09022015). Collection method: clinical testing. Allele origin: germline.
Comment: This sequence change replaces lysine, which is basic and polar, with arginine, which is basic and polar, at codon 704 of the APPL1 protein (p.Lys704Arg). This variant is present in population databases (rs142166154, gnomAD 0.02%). This variant has not been reported in the literature in individuals affected with APPL1-related conditions. ClinVar contains an entry for this variant (Variation ID: 1923374). An algorithm developed to predict the effect of missense changes on protein structure and function (PolyPhen-2) suggests that this variant is likely to be tolerated. In summary, the available evidence is currently insufficient to determine the role of this variant in disease. Therefore, it has been classified as a Variant of Uncertain Significance.

Ambry Genetics
Classification: Likely benign. Last evaluated: 2025-02-07. Review status: criteria provided, single submitter. Criteria: Ambry Variant Classification Scheme 2023. Collection method: clinical testing. Allele origin: germline.